The following is an entry in ClinVar:

NM_001457.4(FLNB):c.4196T>A (p.Ile1399Asn)

Gene: FLNB (filamin B; plus strand). Cytogenetic location: 3p14.3.
Variant type: single nucleotide variant.
Coding change: c.4196T>A on transcript NM_001457.4 (MANE Select); coding-DNA position 4196, T replaced by A.
Protein change: p.Ile1399Asn; replaces isoleucine 1399 with asparagine.
Molecular consequence: missense variant.
Genome position (GRCh38, 1-based): chr3:58,126,736, T>A. VCF-style: chr3-58126736-T-A. GRCh37 (hg19) VCF-style: chr3-58112463-T-A.
Other names: c.4196T>A, p.Ile1399Asn (NM_001164317.2, NM_001164318.2, NM_001164319.2); short protein forms I1399N.
Identifiers: ClinVar variation 2709419 (VCV002709419.3), dbSNP rs2471135006, ClinGen allele CA353350403.

ClinVar aggregate classification (germline): Uncertain significance (1 of 4 stars; one submission).

Submission:

Labcorp Genetics (formerly Invitae), Labcorp
Classification: Uncertain significance. Last evaluated: 2024-01-15. Review status: criteria provided, single submitter. Criteria: Invitae Variant Classification Sherloc (09022015). Collection method: clinical testing. Allele origin: germline.
Comment: This sequence change replaces isoleucine, which is neutral and non-polar, with asparagine, which is neutral and polar, at codon 1399 of the FLNB protein (p.Ile1399Asn). This variant is not present in population databases (gnomAD no frequency). This variant has not been reported in the literature in individuals affected with FLNB-related conditions. Advanced modeling of protein sequence and biophysical properties (such as structural, functional, and spatial information, amino acid conservation, physicochemical variation, residue mobility, and thermodynamic stability) performed at Invitae indicates that this missense variant is not expected to disrupt FLNB protein function with a negative predictive value of 95%. In summary, the available evidence is currently insufficient to determine the role of this variant in disease. Therefore, it has been classified as a Variant of Uncertain Significance.